The following is an entry in ClinVar:

ClinVar aggregate classification (germline): Uncertain significance (1 of 4 stars; one submission).

Submission:

CeGaT Center for Human Genetics Tuebingen
Classification: Uncertain significance. Last evaluated: 2025-09-01. Review status: criteria provided, single submitter. Criteria: CeGaT Center For Human Genetics Tuebingen Variant Classification Criteria Version 2. Collection method: clinical testing. Allele origin: germline. Affected: yes. Observed: 1 variant allele.
Comment: SNX31: PM2

NM_152628.4(SNX31):c.1227+7G>A

Gene: SNX31 (sorting nexin 31; minus strand). Cytogenetic location: 8q22.3.
Variant type: single nucleotide variant.
Coding change: c.1227+7G>A on transcript NM_152628.4 (MANE Select); 7 bases into the intron after coding-DNA position 1227, G replaced by A.
Molecular consequence: intron variant.
Genome position (GRCh38, 1-based): chr8:100,577,012, C>T on the plus strand (G>A on the coding strand, the complement: SNX31 is on the minus strand). VCF-style: chr8-100577012-C-T. GRCh37 (hg19) VCF-style: chr8-101589240-C-T.
Other names: c.930+7G>A (NM_001363720.1).
Identifiers: ClinVar variation 4281495 (VCV004281495.7).